The following is an entry in ClinVar:

NM_000284.4(PDHA1):c.773A>C (p.Asp258Ala)

Gene: PDHA1 (pyruvate dehydrogenase E1 subunit alpha 1; plus strand). Cytogenetic location: Xp22.12.
Variant type: single nucleotide variant.
Coding change: c.773A>C on transcript NM_000284.4 (MANE Select); coding-DNA position 773, A replaced by C.
Protein change: p.Asp258Ala; replaces aspartic acid 258 with alanine.
Molecular consequence: missense variant.
Genome position (GRCh38, 1-based): chrX:19,355,699, A>C. VCF-style: chrX-19355699-A-C. GRCh37 (hg19) VCF-style: chrX-19373817-A-C.
Other names: c.887A>C, p.Asp296Ala (NM_001173454.2); c.794A>C, p.Asp265Ala (NM_001173455.2); c.680A>C, p.Asp227Ala (NM_001173456.2); c.773A>C (NM_000284.3); short protein forms D258A, D265A, D227A, D296A.
Identifiers: ClinVar variation 10881 (VCV000010881.2), dbSNP rs137853253, ClinGen allele CA121216.
Genomic context (GRCh38, chrX:19,355,699, plus strand): 5'-TTGGGGCAGTTGGATTCATGCTTCGCCCCTCCCCTGTTTATTACCAGGTGGATGGAATGG[A>C]TATCCTGTGCGTCCGAGAGGCAACAAGGTTTGCTGCTGCCTATTGTAGATCTGGGAAGGT-3'
Protein context (NP_000275.1, residues 248-268): FIPGLRVDGM[Asp258Ala]ILCVREATRF

ClinVar aggregate classification (germline): Pathogenic. Review status: no assertion criteria provided (0 of 4 stars). 2 submissions from 2 submitters: Pathogenic (2). Last evaluated 2024-10-15.

Conditions:
Pyruvate dehydrogenase E1-alpha deficiency (PDHAD). Also called: ATAXIA, INTERMITTENT, WITH PYRUVATE DEHYDROGENASE DEFICIENCY; ATAXIA WITH LACTIC ACIDOSIS I; ATAXIA, INTERMITTENT, WITH ABNORMAL PYRUVATE METABOLISM; Ataxia, intermittent, with pyruvate dehydrogenase, or decarboxylase, deficiency. Identifiers: Orphanet 79243, MedGen C1839413, MONDO:0010717, OMIM 312170.

Submissions (2):

PDHA1 Study Group, University Children’s Hospital, Paracelsus Medical University
Classification: Pathogenic for Pyruvate dehydrogenase E1-alpha deficiency. Last evaluated: 2024-10-15. Review status: no assertion criteria provided. Collection method: research. Allele origin: de novo. Affected: yes. Observed: 1 variant allele.
Comment: The NM_000284.3:c.773A>C (p.Asp258Ala) substitution is a missense variant in PDHA1 gene. Among them, 1 case had confirmed de novo occurrence. The variant has been reported in 1 published case (PMIDs: 7937579). Last literature search: July 12, 2024. This variant is absent or extremely rare in population-based cohorts in the Genome Aggregation Database (gnomAD). Individuals harboring this variant presented with clinical features compatible with PDHA1-related PDHc deficiency. In summary, this variant meets criteria to be classified as pathogenic (P) for PDHA1-related PDHc deficiency based on the ACMG/AMP criteria applied: PS3, PM1, PM2, PM7, PP3 (last assessment October 15, 2024).

OMIM
Classification: Pathogenic for PYRUVATE DEHYDROGENASE E1-ALPHA DEFICIENCY. Last evaluated: 1994-06-01. Review status: no assertion criteria provided. Collection method: literature only. Allele origin: germline.

Literature cited by the submitters: PubMed 7937579 (cited by PDHA1 Study Group, University Children’s Hospital, Paracelsus Medical University); DOI 10.1093/brain/awaf430 (cited by PDHA1 Study Group, University Children’s Hospital, Paracelsus Medical University); PubMed 8032855 (cited by OMIM).